The following is an entry in ClinVar:

ClinVar aggregate classification (germline): Uncertain significance (1 of 4 stars; one submission).

gnomAD v4.1: 3 of 1,614,140 alleles (0.00019%); highest among the groups gnomAD compares: Non-Finnish European, 0.00025%; no homozygotes.

Submission:

GeneDx
Classification: Uncertain significance. Last evaluated: 2025-04-22. Review status: criteria provided, single submitter. Criteria: GeneDx Variant Classification Process June 2021. Collection method: clinical testing. Allele origin: germline. Affected: yes.
Comment: Not observed at significant frequency in large population cohorts (gnomAD); In silico analysis indicates that this missense variant does not alter protein structure/function; Has not been previously published as pathogenic or benign to our knowledge

NM_005912.3(MC4R):c.23G>A (p.Gly8Glu)

Gene: MC4R (melanocortin 4 receptor; minus strand). Cytogenetic location: 18q21.32.
Variant type: single nucleotide variant.
Coding change: c.23G>A on transcript NM_005912.3 (MANE Select); coding-DNA position 23, G replaced by A.
Protein change: p.Gly8Glu; replaces glycine 8 with glutamic acid.
Molecular consequence: missense variant.
Genome position (GRCh38, 1-based): chr18:60,372,327, C>T on the plus strand (G>A on the coding strand, the complement: MC4R is on the minus strand). VCF-style: chr18-60372327-C-T. GRCh37 (hg19) VCF-style: chr18-58039560-C-T.
Other names: short protein forms G8E.
Identifiers: ClinVar variation 4527198 (VCV004527198.1).